The following is an entry in ClinVar:

ClinVar aggregate classification (germline): Conflicting classifications of pathogenicity. Review status: criteria provided, conflicting classifications (1 of 4 stars). 4 submissions from 4 submitters: Uncertain significance (3); Likely benign (1). Last evaluated 2025-12-13.

Conditions:
Hereditary cancer-predisposing syndrome. Also called: Tumor predisposition; Neoplastic Syndromes, Hereditary; Hereditary Cancer Syndrome; Hereditary neoplastic syndrome. Identifiers: Orphanet 140162, MedGen C0027672, MeSH D009386, MONDO:0015356.
Hereditary breast ovarian cancer syndrome. Also called: Hereditary breast and ovarian cancer; Breast and ovarian cancer; Hereditary breast and/or ovarian cancer syndrome; Hereditary breast and ovarian cancer syndrome (HBOC); BRCA1- and BRCA2-Associated Hereditary Breast and Ovarian Cancer; Hereditary breast and ovarian cancer syndrome. Identifiers: Orphanet 145, MedGen C0677776, MeSH D061325, MONDO:0003582. Disease mechanism: loss of function.
Fanconi anemia complementation group O. Also called: RAD51C-Related Fanconi Anemia. Identifiers: Orphanet 84, MedGen C3150653, MONDO:0013248, OMIM 613390.

Allele frequency attached by ClinVar (database versions not stated): gnomAD exomes below 0.00001 and 0.00002; gnomAD 0.00001; TOPMed 0.00001.

Submissions (4):

Labcorp Genetics (formerly Invitae), Labcorp
Classification: Uncertain significance for Fanconi anemia complementation group O. Last evaluated: 2025-12-13. Review status: criteria provided, single submitter. Criteria: Invitae Variant Classification Sherloc (09022015). Collection method: clinical testing. Allele origin: germline.
Comment: This sequence change replaces valine, which is neutral and non-polar, with isoleucine, which is neutral and non-polar, at codon 351 of the RAD51C protein (p.Val351Ile). This variant is present in population databases (no rsID available, gnomAD 0.03%). This variant has not been reported in the literature in individuals affected with RAD51C-related conditions. ClinVar contains an entry for this variant (Variation ID: 471431). An algorithm developed to predict the effect of missense changes on protein structure and function outputs the following: PolyPhen-2: "Benign". The isoleucine amino acid residue is found in multiple mammalian species, which suggests that this missense change does not adversely affect protein function. In summary, the available evidence is currently insufficient to determine the role of this variant in disease. Therefore, it has been classified as a Variant of Uncertain Significance.

Ambry Genetics
Classification: Likely benign for Hereditary cancer-predisposing syndrome. Last evaluated: 2024-02-26. Review status: criteria provided, single submitter. Criteria: Ambry Variant Classification Scheme 2023. Collection method: clinical testing. Allele origin: germline.

Department of Pathology and Laboratory Medicine, Sinai Health System
Classification: Uncertain significance for Hereditary breast ovarian cancer syndrome. Last evaluated: 2022-03-29. Review status: criteria provided, single submitter. Criteria: ACMG Guidelines, 2015. Collection method: clinical testing. Allele origin: germline. Affected: yes.

Color Diagnostics, LLC DBA Color Health
Classification: Uncertain significance for Hereditary cancer-predisposing syndrome. Last evaluated: 2019-03-29. Review status: criteria provided, single submitter. Criteria: ACMG Guidelines, 2015. Collection method: clinical testing. Allele origin: germline.

NM_058216.3(RAD51C):c.1051G>A (p.Val351Ile)

Gene: RAD51C (RAD51 paralog C; plus strand). Cytogenetic location: 17q22.
Variant type: single nucleotide variant.
Coding change: c.1051G>A on transcript NM_058216.3 (MANE Select); coding-DNA position 1051, G replaced by A.
Protein change: p.Val351Ile; replaces valine 351 with isoleucine.
Molecular consequence: missense variant. On other transcripts: non-coding transcript variant (1).
Genome position (GRCh38, 1-based): chr17:58,734,142, G>A. VCF-style: chr17-58734142-G-A. GRCh37 (hg19) VCF-style: chr17-56811503-G-A.
Other names: short protein forms V351I.
Identifiers: ClinVar variation 471431 (VCV000471431.17), dbSNP rs1160208500, ClinGen allele CA400366049.